The following is an entry in ClinVar:

ClinVar aggregate classification (germline): Conflicting classifications of pathogenicity. Review status: criteria provided, conflicting classifications (1 of 4 stars). 11 submissions from 11 submitters: Uncertain significance (9); Likely benign (2). Last evaluated 2026-01-14.

Conditions:
Familial thoracic aortic aneurysm and aortic dissection (TAAD). Also called: Thoracic aortic aneurysms and dissections. Identifiers: Orphanet 91387, MedGen C4707243, MONDO:0019625.
Marfan syndrome (MFS). Also called: MARFAN SYNDROME, TYPE I; Marfan syndrome type 1; Marfan's syndrome; Marfan syndrome, classic; FBN1-Related Marfan Syndrome. Identifiers: Orphanet 284963, Orphanet 558, MedGen C0024796, MONDO:0007947, OMIM 154700.
Isolated thoracic aortic aneurysm.
Ectopia lentis 1, isolated, autosomal dominant (ECTOL1). Identifiers: Orphanet 1885, MedGen C3541518, MONDO:0007514, OMIM 129600.
MASS syndrome (OCTD). Also called: MASS PHENOTYPE; OVERLAP CONNECTIVE TISSUE DISEASE. Identifiers: MedGen C1858556, MONDO:0011431, OMIM 604308.
Weill-Marchesani syndrome 2, dominant. Also called: Weill-Marchesani Syndrome, Autosomal Dominant; FBN1-Related Weill-Marchesani Syndrome. Identifiers: Orphanet 2084, MedGen C1869115, MONDO:0012013, OMIM 608328.
Acromicric dysplasia (ACMICD). Also called: Acromicric skeletal dysplasia. Identifiers: Orphanet 969, MedGen C0265287, MONDO:0007055, OMIM 102370.
Geleophysic dysplasia 2 (GPHYSD2). Identifiers: Orphanet 2623, MedGen C3280054, MONDO:0013612, OMIM 614185.
Stiff skin syndrome (SSKS). Identifiers: Orphanet 2833, MedGen C1861456, MONDO:0008492, OMIM 184900.
Progeroid and marfanoid aspect-lipodystrophy syndrome. Also called: MARFANOID-PROGEROID SYNDROME; MARFAN-PROGEROID-LIPODYSTROPHY SYNDROME; Marfan lipodystrophy syndrome; MARFANOID-PROGEROID-LIPODYSTROPHY SYNDROME. Identifiers: Orphanet 300382, MedGen C4310796, MONDO:0014831, OMIM 616914.

Allele frequency attached by ClinVar (database versions not stated): ExAC 0.00002; gnomAD exomes 0.00002; gnomAD 0.00003 and 0.00004; TOPMed 0.00004.
gnomAD v4.1: 47 of 1,613,916 alleles (0.0029%); highest among the groups gnomAD compares: Middle Eastern, 0.033%; no homozygotes.

Submissions (11):

Labcorp Genetics (formerly Invitae), Labcorp
Classification: Likely benign for Marfan syndrome; Familial thoracic aortic aneurysm and aortic dissection. Last evaluated: 2026-01-14. Review status: criteria provided, single submitter. Criteria: Invitae Variant Classification Sherloc (09022015). Collection method: clinical testing. Allele origin: germline.

Ambry Genetics
Classification: Uncertain significance for Familial thoracic aortic aneurysm and aortic dissection. Last evaluated: 2025-11-14. Review status: criteria provided, single submitter. Criteria: Ambry Variant Classification Scheme 2023. Collection method: clinical testing. Allele origin: germline.
Comment: The p.R1388H variant (also known as c.4163G>A), located in coding exon 33 of the FBN1 gene, results from a G to A substitution at nucleotide position 4163. The arginine at codon 1388 is replaced by histidine, an amino acid with highly similar properties. This variant was reported in individual(s) with features consistent with aortic aneurysm (Li Y et al. Eur J Hum Genet, 2021 Jul;29:1129-1138; Ambry internal data). This amino acid position is well conserved in available vertebrate species. In addition, the in silico prediction for this alteration is inconclusive. Based on the available evidence, the clinical significance of this variant remains unclear.

Dasa
Classification: Uncertain significance. Last evaluated: 2025-11-10. Review status: criteria provided, single submitter. Criteria: DASA Assertion Criteria. Collection method: clinical testing. Allele origin: germline.
Comment: NM_000138.5(FBN1):c.4163G>A (p.Arg1388His) is a missense variant that results in the substitution of arginine with histidine. This variant is rare in population databases. Computational prediction algorithms are consistent with a deleterious effect. The currently available literature and clinical evidence are not sufficient to establish a definitive association between this variant and the reported condition. Therefore, this variant is classified as a variant of uncertain significance.

Color Diagnostics, LLC DBA Color Health
Classification: Uncertain significance for Familial thoracic aortic aneurysm and aortic dissection. Last evaluated: 2025-07-14. Review status: criteria provided, single submitter. Criteria: ACMG Guidelines, 2015. Collection method: clinical testing. Allele origin: germline.
Comment: This missense variant replaces arginine with histidine at codon 1388 of the FBN1 protein. Computational prediction suggests that this variant may have a deleterious impact on protein structure and function. To our knowledge, functional studies have not been reported for this variant. This variant has been reported in an individual affected with isolated thoracic aortic aneurysm and dissection (PMID: 33824467) and in an individual affected with sudden death (PMID: 27930701). This variant has been identified in 6/282700 chromosomes in the general population by the Genome Aggregation Database (gnomAD). The available evidence is insufficient to determine the role of this variant in disease conclusively. Therefore, this variant is classified as a Variant of Uncertain Significance.

CeGaT Center for Human Genetics Tuebingen
Classification: Likely benign. Last evaluated: 2025-01-01. Review status: criteria provided, single submitter. Criteria: CeGaT Center For Human Genetics Tuebingen Variant Classification Criteria Version 2. Collection method: clinical testing. Allele origin: germline. Affected: yes. Observed: 2 variant alleles.
Comment: FBN1: PM5, BS2

All of Us Research Program, National Institutes of Health
Classification: Uncertain significance for Marfan syndrome. Last evaluated: 2023-11-30. Review status: criteria provided, single submitter. Criteria: ACMG Guidelines, 2015. Collection method: clinical testing. Allele origin: germline. Inheritance: Autosomal dominant inheritance. Observed: 6 variant alleles, 6 heterozygotes.
Comment: This missense variant replaces arginine with histidine at codon 1388 of the FBN1 protein. Computational prediction tool suggests that this variant may have deleterious impact on protein structure and function (internally defined REVEL score threshold >=0.7, PMID: 27666373). Splice site prediction tools suggest that this variant may not impact RNA splicing. To our knowledge, functional studies have not been performed for this variant. This variant has not been reported in individuals affected with cardiovascular disorders in the literature. This variant has been identified in 6/282700 chromosomes in the general population by the Genome Aggregation Database (gnomAD). The available evidence is insufficient to determine the role of this variant in disease conclusively. Therefore, this variant is classified as a Variant of Uncertain Significance.

This study involves interpretation of variants in research participants for the purpose of population health screening. Participant phenotype was not available at the time of variant classification. Additional details can be found in publication PMID: 35346344, PMCID: PMC8962531

GeneDx
Classification: Uncertain significance. Last evaluated: 2022-09-15. Review status: criteria provided, single submitter. Criteria: GeneDx Variant Classification Process June 2021. Collection method: clinical testing. Allele origin: germline. Affected: yes.
Comment: Identified in a patient with sudden unexplained death (SUD) and in a cohort of individuals with isolated TAAD in published literature (Sanchez et al., 2016; Li et al., 2021); In silico analysis supports that this missense variant has a deleterious effect on protein structure/function; Although located in a calcium-binding EGF-like domain of the FBN1 gene, it does not affect a cysteine residue within this domain; cysteine substitutions in the calcium-binding EGF-like domains represent the majority of pathogenic missense changes associated with FBN1-related disorders (Collod-Beroud et al., 2003); This variant is associated with the following publications: (PMID: 33824467, 27930701, 12938084)

Fulgent Genetics
Classification: Uncertain significance for Acromicric dysplasia; Ectopia lentis 1, isolated, autosomal dominant; Marfan syndrome; Stiff skin syndrome; MASS syndrome; Weill-Marchesani syndrome 2, dominant; Geleophysic dysplasia 2; Progeroid and marfanoid aspect-lipodystrophy syndrome. Last evaluated: 2021-11-12. Review status: criteria provided, single submitter. Criteria: ACMG Guidelines, 2015. Collection method: clinical testing. Allele origin: unknown.

Blueprint Genetics
Classification: Uncertain significance. Last evaluated: 2018-09-27. Review status: criteria provided, single submitter. Criteria: ACMG Guidelines, 2015. Collection method: clinical testing. Allele origin: germline.

Department of Vascular Biology, Beijing Anzhen Hospital
Classification: Uncertain significance for Isolated thoracic aortic aneurysm. Last evaluated: 2018-09-01. Review status: criteria provided, single submitter. Criteria: ACMG Guidelines, 2015. Collection method: research. Allele origin: germline. Affected: yes.

Center for Human Genetics, Inc
Classification: Uncertain significance for Marfan syndrome. Last evaluated: 2016-11-01. Review status: criteria provided, single submitter. Criteria: ACMG Guidelines, 2015. Collection method: clinical testing. Allele origin: germline. Affected: yes.

Literature cited by the submitters: PubMed 27930701 (cited by Ambry Genetics and Color Diagnostics, LLC DBA Color Health); PubMed 33824467 (cited by Ambry Genetics and Color Diagnostics, LLC DBA Color Health).

NM_000138.5(FBN1):c.4163G>A (p.Arg1388His)

Gene: FBN1 (fibrillin 1; minus strand). Cytogenetic location: 15q21.1.
Variant type: single nucleotide variant.
Coding change: c.4163G>A on transcript NM_000138.5 (MANE Select); coding-DNA position 4163, G replaced by A.
Protein change: p.Arg1388His; replaces arginine 1388 with histidine.
Molecular consequence: missense variant.
Genome position (GRCh38, 1-based): chr15:48,474,302, C>T on the plus strand (G>A on the coding strand, the complement: FBN1 is on the minus strand). VCF-style: chr15-48474302-C-T. GRCh37 (hg19) VCF-style: chr15-48766499-C-T.
Other names: short protein forms R1388H.
Identifiers: ClinVar variation 547319 (VCV000547319.52), dbSNP rs749196340, ClinGen allele CA052135.
Genomic context (GRCh38, chr15:48,474,302, plus strand): 5'-AGCGTGAACATACCTGTACAAGTGAAGCCATCACCTGTGTATCCTTCCTTGCACAGACAG[C>T]GGTAAGATCCCATGGTATTCTTGCAGTCTGCATGCTGGCTGCACATATGGGTTCCATTGG-3'
Protein context (NP_000129.3, residues 1378-1398): ADCKNTMGSY[Arg1388His]CLCKEGYTGD